The following is an entry in ClinVar:

ClinVar aggregate classification (germline): Uncertain significance (1 of 4 stars; one submission).

Submission:

Labcorp Genetics (formerly Invitae), Labcorp
Classification: Uncertain significance. Last evaluated: 2022-08-16. Review status: criteria provided, single submitter. Criteria: Invitae Variant Classification Sherloc (09022015). Collection method: clinical testing. Allele origin: germline.
Comment: This sequence change replaces glutamine, which is neutral and polar, with leucine, which is neutral and non-polar, at codon 538 of the KCNV2 protein (p.Gln538Leu). In summary, the available evidence is currently insufficient to determine the role of this variant in disease. Therefore, it has been classified as a Variant of Uncertain Significance. Advanced modeling of protein sequence and biophysical properties (such as structural, functional, and spatial information, amino acid conservation, physicochemical variation, residue mobility, and thermodynamic stability) performed at Invitae indicates that this missense variant is not expected to disrupt KCNV2 protein function. This variant has not been reported in the literature in individuals affected with KCNV2-related conditions. This variant is not present in population databases (gnomAD no frequency).

NM_133497.4(KCNV2):c.1613A>T (p.Gln538Leu)

Gene: KCNV2 (potassium voltage-gated channel modifier subfamily V member 2; plus strand). Cytogenetic location: 9p24.2.
Variant type: single nucleotide variant.
Coding change: c.1613A>T on transcript NM_133497.4 (MANE Select); coding-DNA position 1613, A replaced by T.
Protein change: p.Gln538Leu; replaces glutamine 538 with leucine.
Molecular consequence: missense variant.
Genome position (GRCh38, 1-based): chr9:2,729,702, A>T. VCF-style: chr9-2729702-A-T. GRCh37 (hg19) VCF-style: chr9-2729702-A-T.
Other names: short protein forms Q538L.
Identifiers: ClinVar variation 1969093 (VCV001969093.5), dbSNP rs2536985777, ClinGen allele CA372803841.